The following is an entry in ClinVar:

ClinVar aggregate classification (germline): Uncertain significance (1 of 4 stars; one submission).

gnomAD v4.1: 1 of 1,613,986 alleles (0.000062%); highest among the groups gnomAD compares: Admixed American, 0.0017%; no homozygotes.

Submission:

Labcorp Genetics (formerly Invitae), Labcorp
Classification: Uncertain significance. Last evaluated: 2025-09-04. Review status: criteria provided, single submitter. Criteria: Invitae Variant Classification Sherloc (09022015). Collection method: clinical testing. Allele origin: germline.
Comment: This sequence change replaces glycine, which is neutral and non-polar, with alanine, which is neutral and non-polar, at codon 3172 of the VCAN protein (p.Gly3172Ala). This variant is present in population databases (rs758657566, gnomAD 0.003%). This variant has not been reported in the literature in individuals affected with VCAN-related conditions. ClinVar contains an entry for this variant (Variation ID: 3688480). An algorithm developed to predict the effect of missense changes on protein structure and function (PolyPhen-2) suggests that this variant is likely to be disruptive. In summary, the available evidence is currently insufficient to determine the role of this variant in disease. Therefore, it has been classified as a Variant of Uncertain Significance.

NM_004385.5(VCAN):c.9515G>C (p.Gly3172Ala)

Genes: VCAN (versican; plus strand), VCAN-AS1 (VCAN antisense RNA 1; minus strand). Cytogenetic location: 5q14.3.
Variant type: single nucleotide variant.
Coding change: c.9515G>C on transcript NM_004385.5 (MANE Select); coding-DNA position 9515, G replaced by C.
Protein change: p.Gly3172Ala; replaces glycine 3172 with alanine.
Molecular consequence: missense variant.
Genome position (GRCh38, 1-based): chr5:83,553,385, G>C. VCF-style: chr5-83553385-G-C. GRCh37 (hg19) VCF-style: chr5-82849204-G-C.
Other names: c.1292G>C, p.Gly431Ala (NM_001126336.3); c.6554G>C, p.Gly2185Ala (NM_001164097.2); c.4253G>C, p.Gly1418Ala (NM_001164098.2); short protein forms G431A, G1418A, G3172A, G2185A.
Identifiers: ClinVar variation 3688480 (VCV003688480.2).